The following is an entry in ClinVar:

NM_015015.3(KDM4B):c.2299G>C (p.Val767Leu)

Gene: KDM4B (lysine demethylase 4B; plus strand). Cytogenetic location: 19p13.3.
Variant type: single nucleotide variant.
Coding change: c.2299G>C on transcript NM_015015.3 (MANE Select); coding-DNA position 2299, G replaced by C.
Protein change: p.Val767Leu; replaces valine 767 with leucine.
Molecular consequence: missense variant.
Genome position (GRCh38, 1-based): chr19:5,135,552, G>C. VCF-style: chr19-5135552-G-C. GRCh37 (hg19) VCF-style: chr19-5135563-G-C.
Other names: c.2401G>C, p.Val801Leu (NM_001411148.1); short protein forms V767L, V801L.
Identifiers: ClinVar variation 3376431 (VCV003376431.1).

ClinVar aggregate classification (germline): Uncertain significance (1 of 4 stars; one submission).

Conditions:
Intellectual developmental disorder, autosomal dominant 65. Also called: MENTAL RETARDATION, AUTOSOMAL DOMINANT 65. Identifiers: MedGen C5543371, MONDO:0023657, OMIM 619320.

gnomAD v4.1: 6 of 1,595,646 alleles (0.00038%); highest among the groups gnomAD compares: Non-Finnish European, 0.00051%; no homozygotes.

Submission:

Pittsburgh Clinical Genomics Laboratory, University of Pittsburgh Medical Center
Classification: Uncertain significance for Intellectual developmental disorder, autosomal dominant 65. Last evaluated: 2023-11-03. Review status: criteria provided, single submitter. Criteria: ACMG Guidelines, 2015. Collection method: clinical testing. Allele origin: germline. Inheritance: Autosomal dominant inheritance. Affected: yes.
Comment: This sequence variant is a single nucleotide substitution (G>C) at position 2299 of the coding sequence of the KDM4B gene that results in a valine to leucine amino acid change at residue 767 of the lysine demethylase 4B protein. This residue falls in the PHD domain which mediates the interaction between lysine demethylase 4B and chromatin (PMID: 33232677). This variant is absent from ClinVar and had not been observed in an individual affected by a KDM4B-related disorder in the published literature, to our knowledge. This variant is present in 1 of 152234 alleles (0.0007%) in the gnomAD population dataset. Multiple bioinformatic tools predict that this valine to leucine amino acid change would be damaging, and the Val767 residue at this position is highly conserved across the vertebrate species examined. Studies examining the functional consequence of this variant have not been published, to our knowledge. At this time, there is insufficient evidence to determine if this variant is pathogenic or benign. Therefore, we consider this a variant of uncertain significance. ACMG Criteria: BP5, PM2, PP3

Literature cited by the submitters: PubMed 33232677.